The following is an entry in ClinVar:

ClinVar aggregate classification (germline): Conflicting classifications of pathogenicity. Review status: criteria provided, conflicting classifications (1 of 4 stars). 7 submissions from 7 submitters: Uncertain significance (3); Benign (2). 2 of the submissions do not count toward it. Last evaluated 2026-01-28.

Conditions:
SMPD1-related disorder. Also called: SMPD1-related condition.
Niemann-Pick disease, type B. Also called: Chronic Visceral ASMD (Niemann-Pick Disease Type B; NPD-B). Identifiers: Orphanet 77293, MedGen C0268243, MONDO:0011871, OMIM 607616. Disease mechanism: loss of function.
Niemann-Pick disease, type A. Also called: SPHINGOMYELIN LIPIDOSIS; SPHINGOMYELINASE DEFICIENCY; Infantile Neurovisceral ASMD (Niemann-Pick Disease Type A; NPD-A). Identifiers: Orphanet 77292, MedGen C0268242, MONDO:0009756, OMIM 257200. Disease mechanism: loss of function.
Sphingomyelin/cholesterol lipidosis. Also called: Niemann-Pick disease. Identifiers: MedGen C0028064, MONDO:0001982.

Allele frequency attached by ClinVar (database versions not stated): gnomAD exomes 0.00064; ExAC 0.00076; ESP Exome Variant Server 0.00177; gnomAD 0.00230 and 0.00241; TOPMed 0.00272; 1000 Genomes Project 0.00339; 1000 Genomes Project 30x 0.00406.

Submissions (7):

Labcorp Genetics (formerly Invitae), Labcorp
Classification: Benign for Niemann-Pick disease, type B; Niemann-Pick disease, type A. Last evaluated: 2026-01-28. Review status: criteria provided, single submitter. Criteria: Invitae Variant Classification Sherloc (09022015). Collection method: clinical testing. Allele origin: germline.

Broad Center for Mendelian Genomics, Broad Institute of MIT and Harvard
Classification: Uncertain significance for Sphingomyelin/cholesterol lipidosis. Last evaluated: 2020-01-22. Review status: criteria provided, single submitter. Criteria: ACMG Guidelines, 2015. Collection method: curation. Allele origin: germline. Inheritance: Autosomal recessive inheritance.
Comment: The c.441G>A (p.Val147=) variant in SMPD1 (also known as p.Val145= due to a difference in cDNA numbering) has not been previously reported in individuals with Niemann-Pick disease but has been identified in 0.585% (146/24956) of African chromosomes, 0.133% (47/35414) of Latino chromosomes, and 0.0147% (19/129008) of European (non-Finnish) chromosomes by the Genome Aggregation Database (gnomAD; dbSNP rs148944108). This variant has been reported in ClinVar as a VUS by Illumina and Benign by EGL Genetic Diagnostics (Variation ID: 287033). Computational tools do suggest an impact to splicing with the strong activation of a cryptic donor site. However, this information is not predictive enough to determine pathogenicity. In summary, the clinical significance of the c.441G>A variant is uncertain. ACMG/AMP Criteria applied: BS1 (Richards 2015).

Illumina Laboratory Services, Illumina
Classification: Uncertain significance for Niemann-Pick disease, type A. Last evaluated: 2018-01-13. Review status: criteria provided, single submitter. Criteria: ICSL Variant Classification Criteria 13 December 2019. Collection method: clinical testing. Allele origin: germline.

CeGaT Center for Human Genetics Tuebingen
Classification: Uncertain significance. Last evaluated: 2016-08-01. Review status: criteria provided, single submitter. Criteria: CeGaT Center For Human Genetics Tuebingen Variant Classification Criteria Version 2. Collection method: clinical testing. Allele origin: germline. Affected: yes. Observed: 1 variant allele.

Eurofins Ntd Llc (ga)
Classification: Benign. Last evaluated: 2016-03-18. Review status: criteria provided, single submitter. Criteria: EGL Classification Definitions 2015. Collection method: clinical testing. Allele origin: germline. Observed: 1 variant allele, 1 heterozygote.

PreventionGenetics, part of Exact Sciences
Classification: Likely benign for SMPD1-related condition. Last evaluated: 2019-08-20. Review status: no assertion criteria provided. Collection method: clinical testing. Allele origin: germline. Not counted in ClinVar's aggregate classification.
Comment: This variant is classified as likely benign based on ACMG/AMP sequence variant interpretation guidelines (Richards et al. 2015 PMID: 25741868, with internal and published modifications).

Natera, Inc.
Classification: Likely benign for Niemann-Pick Disease, Types A/B. Last evaluated: 2017-05-05. Review status: no assertion criteria provided. Collection method: clinical testing. Allele origin: germline. Not counted in ClinVar's aggregate classification.

NM_000543.5(SMPD1):c.441G>A (p.Val147=)

Gene: SMPD1 (sphingomyelin phosphodiesterase 1; plus strand). Cytogenetic location: 11p15.4.
Variant type: single nucleotide variant.
Coding change: c.441G>A on transcript NM_000543.5 (MANE Select); coding-DNA position 441, G replaced by A.
Protein change: p.Val147=; no amino-acid change (valine 147 retained).
Molecular consequence: synonymous variant. On other transcripts: 5 prime UTR variant (1), non-coding transcript variant (1).
Genome position (GRCh38, 1-based): chr11:6,391,506, G>A. VCF-style: chr11-6391506-G-A. GRCh37 (hg19) VCF-style: chr11-6412736-G-A.
Other names: c.438G>A, p.Val146= (NM_001007593.3); c.441G>A, p.Val147= (NM_001318087.2, NM_001365135.2); c.-521G>A (NM_001318088.2).
Identifiers: ClinVar variation 287033 (VCV000287033.65), dbSNP rs148944108, ClinGen allele CA5852604.
Genomic context (GRCh38, chr11:6,391,506, plus strand): 5'-AGCACCACCTGCCGTGTGCCAATCCATTGTCCACCTCTTTGAGGATGACATGGTGGAGGT[G>A]TGGAGACGCTCAGTGCTGAGCCCATCTGAGGCCTGTGGCCTGCTCCTGGGCTCCACCTGT-3'
Protein context (NP_000534.3, residues 137-157): VHLFEDDMVE[Val147=]WRRSVLSPSE